The following is an entry in ClinVar:

ClinVar aggregate classification (germline): Uncertain significance. Review status: criteria provided, multiple submitters, no conflicts (2 of 4 stars). 2 submissions from 2 submitters: Uncertain significance (2). Last evaluated 2025-08-01.

Conditions:
Rhabdoid tumor predisposition syndrome 2 (RTPS2). Identifiers: Orphanet 231108, Orphanet 69077, MedGen C2750074, MONDO:0013224, OMIM 613325.
Hereditary cancer-predisposing syndrome. Also called: Neoplastic Syndromes, Hereditary; Tumor predisposition; Hereditary Cancer Syndrome; Hereditary neoplastic syndrome. Identifiers: Orphanet 140162, MedGen C0027672, MeSH D009386, MONDO:0015356.

Submissions (2):

Ambry Genetics
Classification: Uncertain significance for Hereditary cancer-predisposing syndrome. Last evaluated: 2025-08-01. Review status: criteria provided, single submitter. Criteria: Ambry Variant Classification Scheme 2023. Collection method: clinical testing. Allele origin: germline.
Comment: The p.G37V variant (also known as c.110G>T), located in coding exon 1 of the SMARCA4 gene, results from a G to T substitution at nucleotide position 110. The glycine at codon 37 is replaced by valine, an amino acid with dissimilar properties. This amino acid position is conserved. In addition, this alteration is predicted to be deleterious by in silico analysis. Based on the available evidence, the clinical significance of this variant remains unclear.

Labcorp Genetics (formerly Invitae), Labcorp
Classification: Uncertain significance for Rhabdoid tumor predisposition syndrome 2. Last evaluated: 2025-07-09. Review status: criteria provided, single submitter. Criteria: Invitae Variant Classification Sherloc (09022015). Collection method: clinical testing. Allele origin: germline.
Comment: This sequence change replaces glycine, which is neutral and non-polar, with valine, which is neutral and non-polar, at codon 37 of the SMARCA4 protein (p.Gly37Val). This variant is not present in population databases (gnomAD no frequency). This variant has not been reported in the literature in individuals affected with SMARCA4-related conditions. Invitae Evidence Modeling of protein sequence and biophysical properties (such as structural, functional, and spatial information, amino acid conservation, physicochemical variation, residue mobility, and thermodynamic stability) indicates that this missense variant is not expected to disrupt SMARCA4 protein function with a negative predictive value of 80%. In summary, the available evidence is currently insufficient to determine the role of this variant in disease. Therefore, it has been classified as a Variant of Uncertain Significance.

NM_003072.5(SMARCA4):c.110G>T (p.Gly37Val)

Gene: SMARCA4 (SWI/SNF related BAF chromatin remodeling complex subunit ATPase 4; plus strand). Cytogenetic location: 19p13.2.
Variant type: single nucleotide variant.
Coding change: c.110G>T on transcript NM_003072.5 (MANE Select); coding-DNA position 110, G replaced by T.
Protein change: p.Gly37Val; replaces glycine 37 with valine.
Molecular consequence: missense variant. On other transcripts: non-coding transcript variant (1).
Genome position (GRCh38, 1-based): chr19:10,984,261, G>T. VCF-style: chr19-10984261-G-T. GRCh37 (hg19) VCF-style: chr19-11094937-G-T.
Other names: c.110G>T, p.Gly37Val (NM_001128845.2, NM_001128846.2, NM_001128847.4 and 6 more transcripts); short protein forms G37V.
Identifiers: ClinVar variation 4170164 (VCV004170164.2).